The following is an entry in ClinVar:

NM_004329.3(BMPR1A):c.431G>T (p.Gly144Val)

Gene: BMPR1A (bone morphogenetic protein receptor type 1A; plus strand). Cytogenetic location: 10q23.2.
Variant type: single nucleotide variant.
Coding change: c.431G>T on transcript NM_004329.3 (MANE Select); coding-DNA position 431, G replaced by T.
Protein change: p.Gly144Val; replaces glycine 144 with valine.
Molecular consequence: missense variant.
Genome position (GRCh38, 1-based): chr10:86,900,027, G>T. VCF-style: chr10-86900027-G-T. GRCh37 (hg19) VCF-style: chr10-88659784-G-T.
Other names: short protein forms G144V.
Identifiers: ClinVar variation 862488 (VCV000862488.10), dbSNP rs1843285922, ClinGen allele CA377450036.
Genomic context (GRCh38, chr10:86,900,027, plus strand): 5'-TTGAACACGTCAGATTATTTTTTCATTTCAATTGTTTACATTGTTTACTTTTATTGTCAG[G>T]TCCGTTTTTTGATGGCAGCATTCGATGGCTGGTTTTGCTCATTTCTATGGCTGTCTGCAT-3'
Protein context (NP_004320.2, residues 134-154): LQPTLPPVVI[Gly144Val]PFFDGSIRWL

ClinVar aggregate classification (germline): Uncertain significance (1 of 4 stars; one submission).

Conditions:
Juvenile polyposis syndrome (JPS). Identifiers: Orphanet 2929, MedGen C0345893, MONDO:0017380, OMIM 174900.

Submission:

Labcorp Genetics (formerly Invitae), Labcorp
Classification: Uncertain significance for Juvenile polyposis syndrome. Last evaluated: 2025-09-02. Review status: criteria provided, single submitter. Criteria: Invitae Variant Classification Sherloc (09022015). Collection method: clinical testing. Allele origin: germline.
Comment: This sequence change replaces glycine, which is neutral and non-polar, with valine, which is neutral and non-polar, at codon 144 of the BMPR1A protein (p.Gly144Val). This variant is not present in population databases (gnomAD no frequency). This variant has not been reported in the literature in individuals affected with BMPR1A-related conditions. ClinVar contains an entry for this variant (Variation ID: 862488). An algorithm developed to predict the effect of missense changes on protein structure and function (PolyPhen-2) suggests that this variant is likely to be tolerated. Algorithms developed to predict the effect of sequence changes on RNA splicing suggest that this variant may disrupt the consensus splice site. In summary, the available evidence is currently insufficient to determine the role of this variant in disease. Therefore, it has been classified as a Variant of Uncertain Significance.